The following is an entry in ClinVar:

NM_000455.5(STK11):c.863-1G>A

Gene: STK11 (serine/threonine kinase 11; plus strand). Cytogenetic location: 19p13.3.
Variant type: single nucleotide variant.
Coding change: c.863-1G>A on transcript NM_000455.5 (MANE Select); the canonical splice acceptor site of the intron before coding-DNA position 863, G replaced by A.
Molecular consequence: splice acceptor variant.
Genome position (GRCh38, 1-based): chr19:1,221,948, G>A. VCF-style: chr19-1221948-G-A. GRCh37 (hg19) VCF-style: chr19-1221947-G-A.
Other names: c.863-1G>A (NM_001407255.1).
Identifiers: ClinVar variation 215992 (VCV000215992.9), dbSNP rs863224448, ClinGen allele CA336282.

ClinVar aggregate classification (germline): Likely pathogenic (1 of 4 stars; one submission).

Conditions:
Peutz-Jeghers syndrome (PJS). Also called: POLYPOSIS, HAMARTOMATOUS INTESTINAL; POLYPS-AND-SPOTS SYNDROME; Peutz-Jeghers polyposis; Periorificial lentiginosis syndrome. Identifiers: Orphanet 2869, MedGen C0031269, MeSH D010580, MONDO:0008280, OMIM 175200.

Submission:

Labcorp Genetics (formerly Invitae), Labcorp
Classification: Likely pathogenic for Peutz-Jeghers syndrome. Last evaluated: 2015-05-02. Review status: criteria provided, single submitter. Criteria: Invitae Variant Classification Sherloc (09022015). Collection method: clinical testing. Allele origin: germline.
Comment: For these reasons, this variant has been classified as Likely Pathogenic. Truncating variants in STK11 are known to be pathogenic. This particular truncation has been reported in the literature (PMID: 20616022). This sequence change affects an acceptor splice site in intron 6. It is expected to disrupt mRNA splicing and likely results in an absent or disrupted protein product.

Literature cited by the submitters: PubMed 20616022.